The following is an entry in ClinVar:

ClinVar aggregate classification (germline): Pathogenic (1 of 4 stars; one submission).

Conditions:
Developmental and epileptic encephalopathy. Identifiers: MedGen C5779964, MONDO:0100620.

Submission:

Labcorp Genetics (formerly Invitae), Labcorp
Classification: Pathogenic for Early-infantile DEE. Last evaluated: 2021-01-20. Review status: criteria provided, single submitter. Criteria: Invitae Variant Classification Sherloc (09022015). Collection method: clinical testing. Allele origin: germline.
Comment: This variant is a gross deletion of the genomic region encompassing exon(s) 15 of the KCNQ2 gene. This variant would be expected to be in-frame, preserving the integrity of the reading frame. For these reasons, this variant has been classified as Pathogenic. This variant disrupts the p.Arg547 amino acid residue in KCNQ2. Other variant(s) that disrupt this residue have been determined to be pathogenic (PMID: 23360469, 29655203, Invitae). This suggests that this residue is clinically significant, and that variants that disrupt this residue are likely to be disease-causing. This variant has been observed in individual(s) with clinical features of KCNQ2-related conditions (Invitae). In at least one individual the variant was observed to be de novo.

Literature cited by the submitters: PubMed 23360469; PubMed 29655203.

NC_000020.10:g.(?_62044793)_(62044944_?)del

Gene: KCNQ2 (potassium voltage-gated channel subfamily Q member 2; minus strand). Cytogenetic location: 20q13.33.
Variant type: Deletion.
Identifiers: ClinVar variation 1457143 (VCV001457143.7).